The following is an entry in ClinVar:

NM_005068.3(SIM1):c.2123A>G (p.Lys708Arg)

Gene: SIM1 (SIM bHLH transcription factor 1; minus strand). Cytogenetic location: 6q16.3.
Variant type: single nucleotide variant.
Coding change: c.2123A>G on transcript NM_005068.3 (MANE Select); coding-DNA position 2123, A replaced by G.
Protein change: p.Lys708Arg; replaces lysine 708 with arginine.
Molecular consequence: missense variant.
Genome position (GRCh38, 1-based): chr6:100,390,539, T>C on the plus strand (A>G on the coding strand, the complement: SIM1 is on the minus strand). VCF-style: chr6-100390539-T-C. GRCh37 (hg19) VCF-style: chr6-100838415-T-C.
Other names: c.2123A>G, p.Lys708Arg (NM_001374769.1); short protein forms K708R.
Identifiers: ClinVar variation 421271 (VCV000421271.2), dbSNP rs1064795024, ClinGen allele CA16618228.

ClinVar aggregate classification (germline): Likely pathogenic (1 of 4 stars; one submission).

Allele frequency attached by ClinVar (database versions not stated): gnomAD exomes below 0.00001.
gnomAD v4.1: 2 of 1,614,200 alleles (0.00012%); highest among the groups gnomAD compares: Non-Finnish European, 0.00017%; no homozygotes.

Submission:

GeneDx
Classification: Likely pathogenic. Last evaluated: 2016-05-17. Review status: criteria provided, single submitter. Criteria: GeneDx Variant Classification (06012015). Collection method: clinical testing. Allele origin: germline. Affected: yes.
Comment: The K708R variant in the SIM1 gene has not been reported previously as a pathogenic variant, nor asa benign variant, to our knowledge. The K708R variant was not observed in approximately 6,500individuals of European and African American ancestry in the NHLBI Exome Sequencing Project,indicating it is not a common benign variant in these populations. The K708R variant is aconservative amino acid substitution, which is not likely to impact secondary protein structure asthese residues share similar properties. This substitution occurs at a position where amino acids withsimilar properties to Lysine are tolerated across species. In silico analysis is inconsistent in itspredictions as to whether or not the variant is damaging to the protein structure/function. Missensevariants in nearby residues (D707H and T712I) have been reported in patients with obesity andautonomic nervous system dysfunction (Ramachandrappa et al., 2013), supporting the functionalimportance of this region of the protein. The K708R variant is a strong candidate for a pathogenicvariant, however the possibility it may be a rare benign variant cannot be excluded.